The following is an entry in ClinVar:

NM_004006.3(DMD):c.455C>T (p.Pro152Leu)

Gene: DMD (dystrophin; minus strand). Cytogenetic location: Xp21.1.
Variant type: single nucleotide variant.
Coding change: c.455C>T on transcript NM_004006.3 (MANE Select); coding-DNA position 455, C replaced by T.
Protein change: p.Pro152Leu; replaces proline 152 with leucine.
Molecular consequence: missense variant.
Genome position (GRCh38, 1-based): chrX:32,816,543, G>A on the plus strand (C>T on the coding strand, the complement: DMD is on the minus strand). VCF-style: chrX-32816543-G-A. GRCh37 (hg19) VCF-style: chrX-32834660-G-A.
Other names: c.431C>T, p.Pro144Leu (NM_000109.4); c.443C>T, p.Pro148Leu (NM_004009.3); c.86C>T, p.Pro29Leu (NM_004010.3); short protein forms P152L, P29L, P144L, P148L.
Identifiers: ClinVar variation 2057335 (VCV002057335.4), dbSNP rs2524325384, ClinGen allele CA412674180.

ClinVar aggregate classification (germline): Uncertain significance (1 of 4 stars; one submission).

Conditions:
Duchenne muscular dystrophy (DMD). Also called: MUSCULAR DYSTROPHY, PSEUDOHYPERTROPHIC PROGRESSIVE, DUCHENNE TYPE; Duchenne Muscular Dystrophy (DMD). Identifiers: Orphanet 98896, MedGen C0013264, MONDO:0010679, OMIM 310200.

Submission:

Labcorp Genetics (formerly Invitae), Labcorp
Classification: Uncertain significance for Duchenne muscular dystrophy. Last evaluated: 2022-08-03. Review status: criteria provided, single submitter. Criteria: Invitae Variant Classification Sherloc (09022015). Collection method: clinical testing. Allele origin: germline.
Comment: Algorithms developed to predict the effect of missense changes on protein structure and function are either unavailable or do not agree on the potential impact of this missense change (SIFT: "Deleterious"; PolyPhen-2: "Possibly Damaging"; Align-GVGD: "Class C0"). In summary, the available evidence is currently insufficient to determine the role of this variant in disease. Therefore, it has been classified as a Variant of Uncertain Significance. This variant has not been reported in the literature in individuals affected with DMD-related conditions. This variant is not present in population databases (gnomAD no frequency). This sequence change replaces proline, which is neutral and non-polar, with leucine, which is neutral and non-polar, at codon 152 of the DMD protein (p.Pro152Leu).